The following is an entry in ClinVar:

NM_012387.3(PADI4):c.882G>A (p.Ala294=)

Gene: PADI4 (peptidyl arginine deiminase 4; plus strand). Cytogenetic location: 1p36.13.
Variant type: single nucleotide variant.
Coding change: c.882G>A on transcript NM_012387.3 (MANE Select); coding-DNA position 882, G replaced by A.
Protein change: p.Ala294=; no amino-acid change (alanine 294 retained).
Molecular consequence: synonymous variant.
Genome position (GRCh38, 1-based): chr1:17,342,349, G>A. VCF-style: chr1-17342349-G-A. GRCh37 (hg19) VCF-style: chr1-17668844-G-A.
Identifiers: ClinVar variation 3042377 (VCV003042377.2), dbSNP rs765222511, ClinGen allele CA640699.

ClinVar aggregate classification (germline): Likely benign (0 of 4 stars; one submission).

Conditions:
PADI4-related disorder. Also called: PADI4-related condition.

Allele frequency attached by ClinVar (database versions not stated): ExAC 0.00001; TOPMed 0.00005.

Submission:

PreventionGenetics, part of Exact Sciences
Classification: Likely benign for PADI4-related condition. Last evaluated: 2019-05-21. Review status: no assertion criteria provided. Collection method: clinical testing. Allele origin: germline.
Comment: This variant is classified as likely benign based on ACMG/AMP sequence variant interpretation guidelines (Richards et al. 2015 PMID: 25741868, with internal and published modifications).